The following is an entry in ClinVar:

ClinVar aggregate classification (germline): Uncertain significance (1 of 4 stars; one submission).

Conditions:
Tumor predisposition syndrome 3 (TPDS3). Also called: Glioma susceptibility 9; LONG TELOMERE SYNDROME, POT1-RELATED; POT1 Tumor Predisposition; Melanoma, cutaneous malignant, susceptibility to, 10. Identifiers: Orphanet 618, MedGen C4014476, MONDO:0014368, OMIM 615848.

Submission:

Labcorp Genetics (formerly Invitae), Labcorp
Classification: Uncertain significance for Tumor predisposition syndrome 3. Last evaluated: 2025-02-27. Review status: criteria provided, single submitter. Criteria: Invitae Variant Classification Sherloc (09022015). Collection method: clinical testing. Allele origin: germline.
Comment: This sequence change affects an acceptor splice site in intron 18 of the POT1 gene. While this variant is not anticipated to result in nonsense mediated decay, it likely alters RNA splicing and results in a disrupted protein product. This variant is not present in population databases (gnomAD no frequency). This variant has not been reported in the literature in individuals affected with POT1-related conditions. Variants that disrupt the consensus splice site are a relatively common cause of aberrant splicing (PMID: 17576681, 9536098). Algorithms developed to predict the effect of sequence changes on RNA splicing suggest that this variant may disrupt the consensus splice site. In summary, the available evidence is currently insufficient to determine the role of this variant in disease. Therefore, it has been classified as a Variant of Uncertain Significance.

Literature cited by the submitters: PubMed 17576681; PubMed 9536098.

NM_015450.3(POT1):c.1793-2A>G

Gene: POT1 (protection of telomeres 1; minus strand). Cytogenetic location: 7q31.33.
Variant type: single nucleotide variant.
Coding change: c.1793-2A>G on transcript NM_015450.3 (MANE Select); the canonical splice acceptor site of the intron before coding-DNA position 1793, A replaced by G.
Molecular consequence: splice acceptor variant.
Genome position (GRCh38, 1-based): chr7:124,824,076, T>C on the plus strand (A>G on the coding strand, the complement: POT1 is on the minus strand). VCF-style: chr7-124824076-T-C. GRCh37 (hg19) VCF-style: chr7-124464130-T-C.
Other names: c.1400-2A>G (NM_001042594.2).
Identifiers: ClinVar variation 3727055 (VCV003727055.2).